The following is an entry in ClinVar:

ClinVar aggregate classification (germline): Pathogenic/Likely pathogenic. Review status: criteria provided, multiple submitters, no conflicts (2 of 4 stars). 6 submissions from 6 submitters: Pathogenic (4); Likely pathogenic (1). 1 of the submissions does not count toward it. Last evaluated 2025-06-04.

Conditions:
Autosomal recessive juvenile Parkinson disease 2. Also called: Parkinson disease autosomal recessive, early onset; Juvenile parkinsonism; Parkinsonism, early onset, with diurnal fluctuation; PARKINSON DISEASE, JUVENILE, AUTOSOMAL RECESSIVE; Parkinson disease, juvenile, type 2; PRKN-Related Early-Onset Parkinson Disease. Identifiers: Orphanet 2828, MedGen C1868675, MONDO:0010820, OMIM 600116.

Allele frequency attached by ClinVar (database versions not stated): ExAC 0.00002; gnomAD 0.00002; gnomAD exomes 0.00002; TOPMed 0.00002.
gnomAD v4.1: 33 of 1,612,238 alleles (0.002%); highest among the groups gnomAD compares: Non-Finnish European, 0.0019%; 1 homozygote.

Submissions (6):

Institute of Immunology and Genetics Kaiserslautern
Classification: Pathogenic for Autosomal recessive juvenile Parkinson disease 2. Last evaluated: 2025-06-04. Review status: criteria provided, single submitter. Criteria: ACMG Guidelines, 2015. Collection method: clinical testing. Allele origin: germline. Affected: yes.
Comment: ACMG Criteria: PS3, PM2, PP3, PP5_S; Variant was found in homozygous state.

Genomic Medicine Center of Excellence, King Faisal Specialist Hospital and Research Centre
Classification: Likely pathogenic for Autosomal recessive juvenile Parkinson disease 2. Last evaluated: 2024-12-18. Review status: criteria provided, single submitter. Criteria: ACMG Guidelines, 2015. Collection method: clinical testing. Allele origin: germline.

Labcorp Genetics (formerly Invitae), Labcorp
Classification: Pathogenic. Last evaluated: 2024-05-19. Review status: criteria provided, single submitter. Criteria: Invitae Variant Classification Sherloc (09022015). Collection method: clinical testing. Allele origin: germline.
Comment: This sequence change replaces valine, which is neutral and non-polar, with glutamic acid, which is acidic and polar, at codon 56 of the PRKN protein (p.Val56Glu). This variant is present in population databases (rs137853059, gnomAD 0.01%). This missense change has been observed in individual(s) with early-onset Parkinson disease (PMID: 12056932). In at least one individual the data is consistent with being in trans (on the opposite chromosome) from a pathogenic variant. It has also been observed to segregate with disease in related individuals. ClinVar contains an entry for this variant (Variation ID: 7047). Advanced modeling of protein sequence and biophysical properties (such as structural, functional, and spatial information, amino acid conservation, physicochemical variation, residue mobility, and thermodynamic stability) has been performed at Invitae for this missense variant, however the output from this modeling did not meet the statistical confidence thresholds required to predict the impact of this variant on PRKN protein function. Experimental studies have shown that this missense change affects PRKN function (PMID: 15606901, 30994895). For these reasons, this variant has been classified as Pathogenic.

Suna and Inan Kirac Foundation Neurodegeneration Research Laboratory, Koc University
Classification: Pathogenic for Autosomal recessive juvenile Parkinson disease 2. Last evaluated: 2022-01-07. Review status: criteria provided, single submitter. Criteria: ACMG Guidelines, 2015. Collection method: research. Allele origin: germline. Affected: yes. Observed: 1 variant allele.

CENTOGENE GmbH and LLC - Guiding Precision Medicine
Classification: Pathogenic for Autosomal recessive juvenile Parkinson disease 2. Last evaluated: 2020-03-16. Review status: criteria provided, single submitter. Criteria: ACMG Guidelines, 2015. Collection method: clinical testing. Allele origin: germline. Affected: no.

OMIM
Classification: Pathogenic for PARKINSON DISEASE 2, AUTOSOMAL RECESSIVE JUVENILE. Last evaluated: 2002-06-01. Review status: no assertion criteria provided. Collection method: literature only. Allele origin: germline. Not counted in ClinVar's aggregate classification.

Literature cited by the submitters: PubMed 12056932 (cited by Labcorp Genetics (formerly Invitae), Labcorp and OMIM); PubMed 15606901 (cited by Labcorp Genetics (formerly Invitae), Labcorp); PubMed 30994895 (cited by Labcorp Genetics (formerly Invitae), Labcorp).

NM_004562.3(PRKN):c.167T>A (p.Val56Glu)

Gene: PRKN (parkin RBR E3 ubiquitin protein ligase; minus strand). Cytogenetic location: 6q26.
Variant type: single nucleotide variant.
Coding change: c.167T>A on transcript NM_004562.3 (MANE Select); coding-DNA position 167, T replaced by A.
Protein change: p.Val56Glu; replaces valine 56 with glutamic acid.
Molecular consequence: missense variant.
Genome position (GRCh38, 1-based): chr6:162,443,314, A>T on the plus strand (T>A on the coding strand, the complement: PRKN is on the minus strand). VCF-style: chr6-162443314-A-T. GRCh37 (hg19) VCF-style: chr6-162864346-A-T.
Other names: c.167T>A, p.Val56Glu (NM_013987.3, NM_013988.3); short protein forms V56E.
Identifiers: ClinVar variation 7047 (VCV000007047.15), dbSNP rs137853059, ClinGen allele CA254085.
Genomic context (GRCh38, chr6:162,443,314, plus strand): 5'-CGGCATGAGCAATGGAGCTGGCGGCATCCCAAGAACGGCCGCCAAGGGAGACTCACCTGC[A>T]CAGTCCAGTCATTCCTCAGCTCCTTCCCTGCGAAAATCACACGCAACTGGTCAGCCGGAA-3'
Protein context (NP_004553.2, residues 46-66): AGKELRNDWT[Val56Glu]QNCDLDQQSI